The following is an entry in ClinVar:

ClinVar aggregate classification (germline): Uncertain significance (1 of 4 stars; one submission).

Submission:

Labcorp Genetics (formerly Invitae), Labcorp
Classification: Uncertain significance. Last evaluated: 2023-11-13. Review status: criteria provided, single submitter. Criteria: Invitae Variant Classification Sherloc (09022015). Collection method: clinical testing. Allele origin: germline.
Comment: This sequence change replaces serine, which is neutral and polar, with threonine, which is neutral and polar, at codon 551 of the ACAD9 protein (p.Ser551Thr). This variant is not present in population databases (gnomAD no frequency). This variant has not been reported in the literature in individuals affected with ACAD9-related conditions. ClinVar contains an entry for this variant (Variation ID: 2109638). Advanced modeling of protein sequence and biophysical properties (such as structural, functional, and spatial information, amino acid conservation, physicochemical variation, residue mobility, and thermodynamic stability) performed at Invitae indicates that this missense variant is not expected to disrupt ACAD9 protein function with a negative predictive value of 80%. In summary, the available evidence is currently insufficient to determine the role of this variant in disease. Therefore, it has been classified as a Variant of Uncertain Significance.

NM_014049.5(ACAD9):c.1652G>C (p.Ser551Thr)

Genes: ACAD9 (acyl-CoA dehydrogenase family member 9; plus strand), CFAP92 (cilia and flagella associated protein 92 (putative); minus strand). Cytogenetic location: 3q21.3.
Variant type: single nucleotide variant.
Coding change: c.1652G>C on transcript NM_014049.5 (MANE Select); coding-DNA position 1652, G replaced by C.
Protein change: p.Ser551Thr; replaces serine 551 with threonine.
Molecular consequence: missense variant. On other transcripts: non-coding transcript variant (1), 3 prime UTR variant (3).
Genome position (GRCh38, 1-based): chr3:128,910,109, G>C. VCF-style: chr3-128910109-G-C. GRCh37 (hg19) VCF-style: chr3-128628952-G-C.
Other names: c.1283G>C, p.Ser428Thr (NM_001410805.1); c.*190C>G (NM_001348520.2, NM_001348521.2, NM_001394090.1); short protein forms S428T, S551T.
Identifiers: ClinVar variation 2109638 (VCV002109638.4), dbSNP rs1936097364, ClinGen allele CA354439602.